The following is an entry in ClinVar:

NM_001018005.2(TPM1):c.88_89delinsGC (p.Lys30Ala)

Gene: TPM1 (tropomyosin 1; plus strand). Cytogenetic location: 15q22.2.
Variant type: Indel.
Coding change: c.88_89delinsGC on transcript NM_001018005.2 (MANE Select); coding-DNA positions 88 to 89, AA replaced by GC.
Protein change: p.Lys30Ala; replaces lysine 30 with alanine.
Molecular consequence: missense variant.
Genome position (GRCh38, 1-based): chr15:63,042,917-63,042,918, AA replaced by GC. VCF-style: chr15-63042917-AA-GC. GRCh37 (hg19) VCF-style: chr15-63335116-AA-GC.
Other names: c.88_89delinsGC, p.Lys30Ala (NM_000366.6, NM_001018004.2, NM_001018006.2 and 7 more transcripts); short protein forms K30A.
Identifiers: ClinVar variation 454423 (VCV000454423.7), dbSNP rs1555402999, ClinGen allele CA658658294.

ClinVar aggregate classification (germline): Uncertain significance (1 of 4 stars; one submission).

Conditions:
Hypertrophic cardiomyopathy. Also called: HYPERTROPHIC MYOCARDIOPATHY. Identifiers: Orphanet 217569, MedGen C0007194, MeSH D002312, MONDO:0005045, HP:0001639.

Submission:

Labcorp Genetics (formerly Invitae), Labcorp
Classification: Uncertain significance for Hypertrophic cardiomyopathy. Last evaluated: 2020-05-29. Review status: criteria provided, single submitter. Criteria: Invitae Variant Classification Sherloc (09022015). Collection method: clinical testing. Allele origin: germline.
Comment: This sequence change replaces lysine with alanine at codon 30 of the TPM1 protein (p.Lys30Ala). The lysine residue is weakly conserved and there is a moderate physicochemical difference between lysine and alanine. This variant is not present in population databases (ExAC no frequency). This variant has not been reported in the literature in individuals with TPM1-related disease. Algorithms developed to predict the effect of missense changes on protein structure and function (SIFT, PolyPhen-2, Align-GVGD) all suggest that this variant is likely to be tolerated, but these predictions have not been confirmed by published functional studies and their clinical significance is uncertain. In summary, the available evidence is currently insufficient to determine the role of this variant in disease. Therefore, it has been classified as a Variant of Uncertain Significance.